The following is an entry in ClinVar:

ClinVar aggregate classification (germline): Likely benign (1 of 4 stars; one submission).

Allele frequency attached by ClinVar (database versions not stated): gnomAD exomes 0.00155; ExAC 0.00225; ESP Exome Variant Server 0.00517; gnomAD 0.00621 and 0.00669; TOPMed 0.00715; 1000 Genomes Project 0.00739; 1000 Genomes Project 30x 0.00843.
gnomAD v4.1: 1,820 of 1,603,050 alleles (0.11%); highest among the groups gnomAD compares: African/African-American, 2.1%; 21 homozygotes.

Submission:

GeneDx
Classification: Likely benign. Last evaluated: 2018-06-14. Review status: criteria provided, single submitter. Criteria: GeneDx Variant Classification (06012015). Collection method: clinical testing. Allele origin: germline. Affected: yes.
Comment: This variant is considered likely benign or benign based on one or more of the following criteria: it is a conservative change, it occurs at a poorly conserved position in the protein, it is predicted to be benign by multiple in silico algorithms, and/or has population frequency not consistent with disease.

NM_000093.5(COL5A1):c.4954+21G>T

Genes: COL5A1 (collagen type V alpha 1 chain; plus strand), LOC101448202 (uncharacterized LOC101448202; minus strand). Cytogenetic location: 9q34.3.
Variant type: single nucleotide variant.
Coding change: c.4954+21G>T on transcript NM_000093.5 (MANE Select); 21 bases into the intron after coding-DNA position 4954, G replaced by T.
Molecular consequence: intron variant.
Genome position (GRCh38, 1-based): chr9:134,824,876, G>T. VCF-style: chr9-134824876-G-T. GRCh37 (hg19) VCF-style: chr9-137716722-G-T.
Other names: c.4954+21G>T (NM_001278074.1).
Identifiers: ClinVar variation 675936 (VCV000675936.1), dbSNP rs143914892, ClinGen allele CA5320516.